The following is an entry in ClinVar:

NM_000384.3(APOB):c.1945G>A (p.Asp649Asn)

Gene: APOB (apolipoprotein B; minus strand). Cytogenetic location: 2p24.1.
Variant type: single nucleotide variant.
Coding change: c.1945G>A on transcript NM_000384.3 (MANE Select); coding-DNA position 1945, G replaced by A.
Protein change: p.Asp649Asn; replaces aspartic acid 649 with asparagine.
Molecular consequence: missense variant.
Genome position (GRCh38, 1-based): chr2:21,027,950, C>T on the plus strand (G>A on the coding strand, the complement: APOB is on the minus strand). VCF-style: chr2-21027950-C-T. GRCh37 (hg19) VCF-style: chr2-21250822-C-T.
Other names: short protein forms D649N.
Identifiers: ClinVar variation 3754753 (VCV003754753.2).

ClinVar aggregate classification (germline): Uncertain significance (1 of 4 stars; one submission).

Conditions:
Familial hypobetalipoproteinemia 1. Also called: APOB-Related Familial Hypobetalipoproteinemia; Hypobetalipoproteinemia, normotriglyceridemic; Acanthocytosis with hypobetalipoproteinemia. Identifiers: MedGen C4551990, MONDO:0014252, OMIM 615558.
Hypercholesterolemia, autosomal dominant, type B (FHCL2). Also called: Familial Hypercholesterolemia Type B; APOLIPOPROTEIN B-100, FAMILIAL DEFECTIVE; APOLIPOPROTEIN B-100, FAMILIAL LIGAND-DEFECTIVE; HYPERCHOLESTEROLEMIA, FAMILIAL, DUE TO LIGAND-DEFECTIVE APOLIPOPROTEIN B; Hyperlipoproteinemia Type IIb; Familial hypercholesterolemia 2. Identifiers: MedGen C1704417, MONDO:0007751, OMIM 144010.

Submission:

Labcorp Genetics (formerly Invitae), Labcorp
Classification: Uncertain significance for Familial hypobetalipoproteinemia 1; Hypercholesterolemia, autosomal dominant, type B. Last evaluated: 2024-02-26. Review status: criteria provided, single submitter. Criteria: Invitae Variant Classification Sherloc (09022015). Collection method: clinical testing. Allele origin: germline.
Comment: This sequence change replaces aspartic acid, which is acidic and polar, with asparagine, which is neutral and polar, at codon 649 of the APOB protein (p.Asp649Asn). This variant is not present in population databases (gnomAD no frequency). This variant has not been reported in the literature in individuals affected with APOB-related conditions. Advanced modeling of protein sequence and biophysical properties (such as structural, functional, and spatial information, amino acid conservation, physicochemical variation, residue mobility, and thermodynamic stability) performed at Invitae indicates that this missense variant is not expected to disrupt APOB protein function with a negative predictive value of 95%. In summary, the available evidence is currently insufficient to determine the role of this variant in disease. Therefore, it has been classified as a Variant of Uncertain Significance.